The following is an entry in ClinVar:

NM_000520.6(HEXA):c.672+1del

Gene: HEXA (hexosaminidase subunit alpha; minus strand). Cytogenetic location: 15q23.
Variant type: Deletion.
Coding change: c.672+1del on transcript NM_000520.6 (MANE Select); the canonical splice donor site of the intron after coding-DNA position 672, one base deleted (G; older notation c.672+1delG).
Molecular consequence: splice donor variant.
Genome position (GRCh38, 1-based): chr15:72,351,132, C deleted on the plus strand (G on the coding strand, the reverse complement: HEXA is on the minus strand); the first of 2 consecutive C bases (chr15:72,351,132-72,351,133); deleting either gives the same sequence. VCF-style (leftmost placement, unchanged base first): chr15-72351131-AC-A. GRCh37 (hg19) VCF-style: chr15-72643472-AC-A.
Other names: c.705+1del (NM_001318825.2).
Identifiers: ClinVar variation 4069162 (VCV004069162.2).

ClinVar aggregate classification (germline): Likely pathogenic (1 of 4 stars; one submission).

Conditions:
Tay-Sachs disease (TSD). Also called: HEXA DEFICIENCY; GM2 gangliosidosis, type 1; Hexosaminidase alpha-subunit deficiency (variant B); Sphingolipidosis, Tay-Sachs; HEXA Disorders; Hexosaminidase A Deficiency. Identifiers: Orphanet 845, MedGen C0039373, MONDO:0010100, OMIM 272800.

Submission:

Natera, Inc.
Classification: Likely pathogenic for Tay-Sachs disease. Last evaluated: 2025-03-10. Review status: criteria provided, single submitter. Criteria: Natera Variant Classification Schema (03/2026). Collection method: clinical testing. Allele origin: germline.
Comment: The c.672+1del variant in HEXA is a canonical splice donor site variant predicted to affect pre-mRNA splicing, which may result in an abnormal transcript and altered protein product. This variant is expected to result in nonsense mediated decay, truncation, or a dysfunctional protein product. This variant is rare in the general population with a frequency below the threshold expected for the associated phenotype(s). Given the available evidence, this variant is classified as Likely Pathogenic.